The following is an entry in ClinVar:

NM_000821.7(GGCX):c.*3606G>A

Gene: GGCX (gamma-glutamyl carboxylase; minus strand). Cytogenetic location: 2p11.2.
Variant type: single nucleotide variant.
Coding change: c.*3606G>A on transcript NM_000821.7 (MANE Select); 3606 bases downstream of the stop codon, G replaced by A.
Molecular consequence: 3 prime UTR variant.
Genome position (GRCh38, 1-based): chr2:85,546,328, C>T on the plus strand (G>A on the coding strand, the complement: GGCX is on the minus strand). VCF-style: chr2-85546328-C-T. GRCh37 (hg19) VCF-style: chr2-85773451-C-T.
Other names: c.*3606G>A (NM_001142269.4).
Identifiers: ClinVar variation 337197 (VCV000337197.5), dbSNP rs535142816, ClinGen allele CA10614023.
Genomic context (GRCh38, chr2:85,546,328, plus strand): 5'-ACTAAAAATATAAAAAAGTTAGCCAGGCACCTGTAGTCCCAGCTACTCAGGAGGCCGAGG[C>T]AGGAGAATGGCGTGAACCCGGGAGGTGGAGCTTGCAGTGAGCTGAAATCGTGCCACCACA-3'

ClinVar aggregate classification (germline): Benign (1 of 4 stars; one submission).

Conditions:
Vitamin K-dependent clotting factors, combined deficiency of, type 1. Also called: FACTORS II, VII, IX, AND X, COMBINED DEFICIENCY OF; FAMILIAL MULTIPLE COAGULATION FACTOR DEFICIENCY III; FMFD III; GLUTAMIC ACID, DEFICIENT GAMMA-CARBOXYLATION OF; MULTIPLE COAGULATION FACTOR DEFICIENCY III; VITAMIN K-DEPENDENT COAGULATION DEFECT. Identifiers: Orphanet 98434, MedGen C1848534, MONDO:0010187, OMIM 277450.

Allele frequency attached by ClinVar (database versions not stated): gnomAD 0.00004 and 0.00127; TOPMed 0.00020; 1000 Genomes Project 0.00599; 1000 Genomes Project 30x 0.00671.

Submission:

Illumina Laboratory Services, Illumina
Classification: Benign for Vitamin K-dependent clotting factors, combined deficiency of, type 1. Last evaluated: 2018-01-13. Review status: criteria provided, single submitter. Criteria: ICSL Variant Classification Criteria 13 December 2019. Collection method: clinical testing. Allele origin: germline.
Comment: This variant was observed in the ICSL laboratory as part of a predisposition screen in an ostensibly healthy population. It had not been previously curated by ICSL or reported in the Human Gene Mutation Database (HGMD: prior to June 1st, 2018), and was therefore a candidate for classification through an automated scoring system. Utilizing variant allele frequency, disease prevalence and penetrance estimates, and inheritance mode, an automated score was calculated to assess if this variant is too frequent to cause the disease. Based on the score and internal cut-off values, a variant classified as benign is not then subjected to further curation. The score for this variant resulted in a classification of benign for this disease.